The following is an entry in ClinVar:

ClinVar aggregate classification (germline): Uncertain significance (1 of 4 stars; one submission).

Allele frequency attached by ClinVar (database versions not stated): gnomAD exomes below 0.00001.
gnomAD v4.1: 1 of 1,613,224 alleles (0.000062%); no homozygotes.

Submission:

Women's Health and Genetics/Laboratory Corporation of America, LabCorp
Classification: Uncertain significance. Last evaluated: 2023-05-31. Review status: criteria provided, single submitter. Criteria: LabCorp Variant Classification Summary - May 2015. Collection method: clinical testing. Allele origin: germline.
Comment: Variant summary: PROKR2 c.1155A>T (p.X385CysextX43) causes a frameshift affecting the termination codon and is predicted to lead to an extended protein with 43 additional amino acids added to the normal C-terminus. The variant was absent in 250238 control chromosomes. The available data on variant occurrences in the general population are insufficient to allow any conclusion about variant significance. To our knowledge, no occurrence of c.1155A>T in individuals affected with Kallmann Syndrome 3 and no experimental evidence demonstrating its impact on protein function have been reported. No clinical diagnostic laboratories have submitted clinical-significance assessments for this variant to ClinVar after 2014. Based on the evidence outlined above, the variant was classified as uncertain significance.

NM_144773.4(PROKR2):c.1155A>T (p.Ter385Cys)

Gene: PROKR2 (prokineticin receptor 2; minus strand). Cytogenetic location: 20p12.3.
Variant type: single nucleotide variant.
Coding change: c.1155A>T on transcript NM_144773.4 (MANE Select); coding-DNA position 1155, A replaced by T.
Protein change: p.Ter385Cys.
Molecular consequence: stop lost.
Genome position (GRCh38, 1-based): chr20:5,302,040, T>A on the plus strand (A>T on the coding strand, the complement: PROKR2 is on the minus strand). VCF-style: chr20-5302040-T-A. GRCh37 (hg19) VCF-style: chr20-5282686-T-A.
Identifiers: ClinVar variation 2506104 (VCV002506104.1), dbSNP rs2122203248, ClinGen allele CA408166151.